The following is an entry in ClinVar:

ClinVar aggregate classification (germline): Pathogenic (1 of 4 stars; one submission).

Conditions:
Developmental and epileptic encephalopathy, 9 (DEE9). Also called: JUBERG-HELLMAN SYNDROME; Early infantile epileptic encephalopathy 9; PCDH19-Related X-Linked Female-Limited Epilepsy with Mental Retardation; EPILEPSY, FEMALE-RESTRICTED, WITH MENTAL RETARDATION. Identifiers: Orphanet 101039, Orphanet 2076, MedGen C1848137, MONDO:0010246, OMIM 300088. Disease mechanism: loss of function.

Submission:

Labcorp Genetics (formerly Invitae), Labcorp
Classification: Pathogenic for Developmental and epileptic encephalopathy, 9. Last evaluated: 2023-11-13. Review status: criteria provided, single submitter. Criteria: Invitae Variant Classification Sherloc (09022015). Collection method: clinical testing. Allele origin: germline.
Comment: This sequence change creates a premature translational stop signal (p.Ser325Hisfs*16) in the PCDH19 gene. It is expected to result in an absent or disrupted protein product. Loss-of-function variants in PCDH19 are known to be pathogenic (PMID: 21053371). This variant is not present in population databases (gnomAD no frequency). This variant has not been reported in the literature in individuals affected with PCDH19-related conditions. For these reasons, this variant has been classified as Pathogenic.

Literature cited by the submitters: PubMed 21053371.

NM_001184880.2(PCDH19):c.973_974del (p.Ser325fs)

Gene: PCDH19 (protocadherin 19; minus strand). Cytogenetic location: Xq22.1.
Variant type: Deletion.
Coding change: c.973_974del on transcript NM_001184880.2 (MANE Select); coding-DNA positions 973 to 974, 2 bases deleted (TC; older notation c.973_974delTC).
Protein change: p.Ser325fs; shifts the reading frame from serine 325.
Molecular consequence: frameshift variant.
Genome position (GRCh38, 1-based): chrX:100,407,624-100,407,625, GA deleted on the plus strand (TC on the coding strand, the reverse complement: PCDH19 is on the minus strand). VCF-style (leftmost placement, unchanged base first): chrX-100407623-GGA-G. GRCh37 (hg19) VCF-style: chrX-99662621-GGA-G.
Other names: c.973_974del, p.Ser325fs (NM_001105243.2, NM_020766.3); short protein forms S325fs.
Identifiers: ClinVar variation 2695180 (VCV002695180.3), dbSNP rs2520987424, ClinGen allele CA2697553223.